The following is an entry in ClinVar:

ClinVar aggregate classification (germline): Likely benign. Review status: criteria provided, multiple submitters, no conflicts (2 of 4 stars). 3 submissions from 3 submitters: Likely benign (2). 1 of the submissions does not count toward it. Last evaluated 2026-09-01.

Conditions:
KCNQ1-related disorder. Also called: KCNQ1-related disorders; KCNQ1-related condition. Identifiers: MedGen CN239322.

Allele frequency attached by ClinVar (database versions not stated): 1000 Genomes Project 30x 0.00031; 1000 Genomes Project 0.00040; TOPMed 0.00216; gnomAD 0.00256.
gnomAD v4.1: 4,130 of 1,156,254 alleles (0.36%); highest among the groups gnomAD compares: Non-Finnish European, 0.46%; 15 homozygotes.

Submissions (3):

CeGaT Center for Human Genetics Tuebingen
Classification: Likely benign. Last evaluated: 2026-09-01. Review status: criteria provided, single submitter. Criteria: CeGaT Center For Human Genetics Tuebingen Variant Classification Criteria Version 2. Collection method: clinical testing. Allele origin: germline. Affected: yes. Observed: 29 variant alleles.
Comment: KCNQ1OT1: BS2

Blueprint Genetics
Classification: Likely benign. Last evaluated: 2024-11-27. Review status: criteria provided, single submitter. Criteria: ACMG Guidelines, 2015. Collection method: clinical testing. Allele origin: germline.

PreventionGenetics, part of Exact Sciences
Classification: Likely benign for KCNQ1-related condition. Last evaluated: 2019-06-05. Review status: no assertion criteria provided. Collection method: clinical testing. Allele origin: germline. Not counted in ClinVar's aggregate classification.
Comment: This variant is classified as likely benign based on ACMG/AMP sequence variant interpretation guidelines (Richards et al. 2015 PMID: 25741868, with internal and published modifications).

NM_000218.3(KCNQ1):c.1514+141C>A

Genes: KCNQ1 (potassium voltage-gated channel subfamily Q member 1; plus strand), KCNQ1OT1 (KCNQ1 opposite strand/antisense transcript 1; minus strand). Cytogenetic location: 11p15.5.
Variant type: single nucleotide variant.
Coding change: c.1514+141C>A on transcript NM_000218.3 (MANE Select); 141 bases into the intron after coding-DNA position 1514, C replaced by A.
Molecular consequence: intron variant.
Genome position (GRCh38, 1-based): chr11:2,662,222, C>A. VCF-style: chr11-2662222-C-A. GRCh37 (hg19) VCF-style: chr11-2683452-C-A.
Other names: c.1514+141C>A (NM_000218.2); c.1244+141C>A (NM_001406837.1); c.1418+141C>A (NM_001406836.1); c.974+141C>A (NM_001406838.1); c.1133+141C>A (NM_181798.2).
Identifiers: ClinVar variation 1711300 (VCV001711300.32), dbSNP rs231363, ClinGen allele CA13370381.